The following is an entry in ClinVar:

NM_020975.6(RET):c.1832G>T (p.Cys611Phe)

Gene: RET (ret proto-oncogene; plus strand). Cytogenetic location: 10q11.21.
Variant type: single nucleotide variant.
Coding change: c.1832G>T on transcript NM_020975.6 (MANE Select); coding-DNA position 1832, G replaced by T.
Protein change: p.Cys611Phe; replaces cysteine 611 with phenylalanine.
Molecular consequence: missense variant.
Genome position (GRCh38, 1-based): chr10:43,113,628, G>T. VCF-style: chr10-43113628-G-T. GRCh37 (hg19) VCF-style: chr10-43609076-G-T.
Other names: c.1832G>T, p.Cys611Phe (NM_000323.2, NM_001406743.1, NM_001406744.1 and 6 more transcripts); c.1070G>T, p.Cys357Phe (NM_001355216.2); c.1703G>T, p.Cys568Phe (NM_001406761.1, NM_001406762.1, NM_001406764.1 and 1 more transcripts); c.1544G>T, p.Cys515Phe (NM_001406766.1, NM_001406767.1, NM_001406770.1); c.1436G>T, p.Cys479Phe (NM_001406769.1, NM_001406772.1); c.1394G>T, p.Cys465Phe (NM_001406771.1, NM_001406773.1); c.1307G>T, p.Cys436Phe (NM_001406774.1); c.1106G>T, p.Cys369Phe (NM_001406775.1, NM_001406776.1, NM_001406777.1 and 1 more transcripts); and 5 more; short protein forms C357F, C269F, C281F, C128F, C216F, C312F, C436F, C465F.
Identifiers: ClinVar variation 24899 (VCV000024899.16), dbSNP rs377767397, ClinGen allele CA007949.

ClinVar aggregate classification (germline): Pathogenic. Review status: criteria provided, multiple submitters, no conflicts (2 of 4 stars). 4 submissions from 4 submitters: Pathogenic (4). Last evaluated 2025-09-24.

Conditions:
Hereditary cancer-predisposing syndrome. Also called: Neoplastic Syndromes, Hereditary; Tumor predisposition; Hereditary Cancer Syndrome; Hereditary neoplastic syndrome. Identifiers: Orphanet 140162, MedGen C0027672, MeSH D009386, MONDO:0015356.
Multiple endocrine neoplasia, type 2 (MEN2). Identifiers: Orphanet 653, MedGen C4048306, MONDO:0019003. Disease mechanism: gain of function.
Multiple endocrine neoplasia type 2A. Also called: MULTIPLE ENDOCRINE NEOPLASIA, TYPE IIA; PTC SYNDROME; SIPPLE SYNDROME; MEN 2A; MEN-2A syndrome; Pheochromocytoma and amyloid producing medullary thyroid carcinoma. Identifiers: Orphanet 247698, Orphanet 653, MedGen C0025268, MeSH D018813, MONDO:0008234, OMIM 171400.

Submissions (4):

Myriad Genetics, Inc.
Classification: Pathogenic for Multiple endocrine neoplasia type 2A. Last evaluated: 2025-09-24. Review status: criteria provided, single submitter. Criteria: Myriad Autosomal Dominant, Autosomal Recessive and X-Linked Classification Criteria (2023). Collection method: clinical testing. Allele origin: unknown.
Comment: This variant is considered pathogenic. This variant has been reported in multiple individuals with clinical features of gene-specific disease [PMID: 14985401, 29656518, 20979234, 11331212, 25810047].

Labcorp Genetics (formerly Invitae), Labcorp
Classification: Pathogenic for Multiple endocrine neoplasia, type 2. Last evaluated: 2023-06-28. Review status: criteria provided, single submitter. Criteria: Invitae Variant Classification Sherloc (09022015). Collection method: clinical testing. Allele origin: germline.
Comment: For these reasons, this variant has been classified as Pathogenic. This variant disrupts the p.Cys611 amino acid residue in RET. Other variant(s) that disrupt this residue have been determined to be pathogenic (PMID: 9230192, 20979234, 27809725, 28099363). This suggests that this residue is clinically significant, and that variants that disrupt this residue are likely to be disease-causing. An algorithm developed to predict the effect of missense changes on protein structure and function (PolyPhen-2) suggests that this variant is likely to be disruptive. ClinVar contains an entry for this variant (Variation ID: 24899). This missense change has been observed in individual(s) with medullary thyroid carcinoma (PMID: 8626834, 11331212, 20979234). It has also been observed to segregate with disease in related individuals. This variant is not present in population databases (gnomAD no frequency). This sequence change replaces cysteine, which is neutral and slightly polar, with phenylalanine, which is neutral and non-polar, at codon 611 of the RET protein (p.Cys611Phe).

Laboratory of Molecular and Cytogenetics, Department of Anatomy, All India Institute of Medical Sciences (AIIMS)
Classification: Pathogenic for Multiple endocrine neoplasia type 2A. Last evaluated: 2023-05-21. Review status: criteria provided, single submitter. Criteria: ACMG Guidelines, 2015. Collection method: clinical testing. Allele origin: germline. Affected: yes. Observed: 1 variant allele.

Ambry Genetics
Classification: Pathogenic for Hereditary cancer-predisposing syndrome. Last evaluated: 2023-02-03. Review status: criteria provided, single submitter. Criteria: Ambry Variant Classification Scheme 2023. Collection method: clinical testing. Allele origin: germline.
Comment: The p.C611F pathogenic mutation (also known as c.1832G>T), located in coding exon 10 of the RET gene, results from a G to T substitution at nucleotide position 1832. The cysteine at codon 611 is replaced by phenylalanine, an amino acid with highly dissimilar properties. Multiple mutations at codon 611 have been associated with Hirschsprung Disease (HSCR), Multiple Endocrine Neoplasia Type 2A (MEN2A), and Familial Medullary Thyroid Cancer (FMTC) (Eng C et al. JAMA. 1996 Nov;276:1575-9; Nishikawa M et al. Eur J Hum Genet. 2003 May;11(5):364-8). The p.C611F pathogenic mutation has been reported in numerous families diagnosed with MEN2A (Frank-Raue K et al. J. Clin. Endocrinol. Metab. 1996 May;81:1780-3; Siggelkow H et al. Eur. J. Endocrinol. 2001 May;144:467-73). The American Thyroid Association Guidelines Task Force has provided recommendations for individuals with RET gene mutations (Kloos et al. Thyroid. 2009 June; 19(6):565-612; Wells SA et al. Thyroid. 2015 Jun;25:567-610). This amino acid position is highly conserved in available vertebrate species. This variant is considered to be rare based on population cohorts in the Genome Aggregation Database (gnomAD). Based on the supporting evidence, this alteration is pathogenic for MEN2; however, the association of this alteration with Hirschsprung disease is unknown.

Literature cited by the submitters: PubMed 14985401 (cited by Myriad Genetics, Inc.); PubMed 29656518 (cited by Myriad Genetics, Inc.); PubMed 20979234 (cited by Myriad Genetics, Inc. and Labcorp Genetics (formerly Invitae), Labcorp); PubMed 11331212 (cited by 3 submitters); PubMed 25810047 (cited by Myriad Genetics, Inc. and Ambry Genetics); PubMed 9230192 (cited by Labcorp Genetics (formerly Invitae), Labcorp); PubMed 27809725 (cited by Labcorp Genetics (formerly Invitae), Labcorp); PubMed 28099363 (cited by Labcorp Genetics (formerly Invitae), Labcorp); PubMed 8626834 (cited by Labcorp Genetics (formerly Invitae), Labcorp and Ambry Genetics); PubMed 12734540 (cited by Ambry Genetics); PubMed 19469690 (cited by Ambry Genetics); PubMed 8918855 (cited by Ambry Genetics).